The following is an entry in ClinVar:

ClinVar aggregate classification (germline): Conflicting classifications of pathogenicity. Review status: criteria provided, conflicting classifications (1 of 4 stars). 2 submissions from 2 submitters: Pathogenic (1); Uncertain significance (1). Last evaluated 2025-01-17.

Conditions:
Intellectual disability-facial dysmorphism syndrome due to SETD5 haploinsufficiency (MRD23). Also called: Intellectual developmental disorder, autosomal dominant 23. Identifiers: Orphanet 404440, MedGen C3810406, MONDO:0014336, OMIM 615761.

Submissions (2):

GeneDx
Classification: Pathogenic. Last evaluated: 2025-01-17. Review status: criteria provided, single submitter. Criteria: GeneDx Variant Classification Process June 2021. Collection method: clinical testing. Allele origin: germline. Affected: yes.
Comment: In silico analysis supports that this missense variant has a deleterious effect on protein structure/function; Has not been previously published as pathogenic or benign to our knowledge; Not observed at significant frequency in large population cohorts (gnomAD)

Dasa
Classification: Uncertain significance for Intellectual disability-facial dysmorphism syndrome due to SETD5 haploinsufficiency. Last evaluated: 2024-12-12. Review status: criteria provided, single submitter. Criteria: DASA Assertion Criteria. Collection method: clinical testing. Allele origin: germline.
Comment: NM_001080517.3(SETD5):c.893T>C (p.Ile298Thr) is a missense variant that results in the substitution of isoleucine with threonine. This variant is absent from population databases. Computational prediction algorithms are consistent with a deleterious effect. The currently available literature and clinical evidence are not sufficient to establish a definitive association between this variant and the reported condition. Therefore, this variant is classified as a variant of uncertain significance.

NM_001080517.3(SETD5):c.893T>C (p.Ile298Thr)

Gene: SETD5 (SET domain containing 5; plus strand). Cytogenetic location: 3p25.3.
Variant type: single nucleotide variant.
Coding change: c.893T>C on transcript NM_001080517.3 (MANE Select); coding-DNA position 893, T replaced by C.
Protein change: p.Ile298Thr; replaces isoleucine 298 with threonine.
Molecular consequence: missense variant.
Genome position (GRCh38, 1-based): chr3:9,441,675, T>C. VCF-style: chr3-9441675-T-C. GRCh37 (hg19) VCF-style: chr3-9483359-T-C.
Other names: c.599T>C, p.Ile200Thr (NM_001349451.2, NM_001292043.2); short protein forms I200T, I298T.
Identifiers: ClinVar variation 2446473 (VCV002446473.5), dbSNP rs2041311648, ClinGen allele CA351688850.